The following is an entry in ClinVar:

NM_033056.4(PCDH15):c.4897T>C (p.Leu1633=)

Gene: PCDH15 (protocadherin related 15; minus strand). Cytogenetic location: 10q21.1.
Variant type: single nucleotide variant.
Coding change: c.4897T>C on transcript NM_033056.4 (MANE Plus Clinical); coding-DNA position 4897, T replaced by C.
Protein change: p.Leu1633=; no amino-acid change (leucine 1633 retained).
Molecular consequence: synonymous variant. On other transcripts: intron variant (8).
Genome position (GRCh38, 1-based): chr10:53,822,829, A>G on the plus strand (T>C on the coding strand, the complement: PCDH15 is on the minus strand). VCF-style: chr10-53822829-A-G. GRCh37 (hg19) VCF-style: chr10-55582589-A-G.
Other names: c.4373+2307T>C (NM_001142770.3, NM_001142772.2); c.4388+4564T>C (NM_001354411.2); c.4409+2307T>C (NM_001142769.3); c.4918T>C, p.Leu1640= (NM_001142763.2); c.4903T>C, p.Leu1635= (NM_001142764.2); c.4690T>C, p.Leu1564= (NM_001142765.2); c.4888T>C, p.Leu1630= (NM_001142766.2); c.4777T>C, p.Leu1593= (NM_001142767.2); and 6 more.
Identifiers: ClinVar variation 797562 (VCV000797562.9), dbSNP rs952697934, ClinGen allele CA207220154.

ClinVar aggregate classification (germline): Likely benign. Review status: criteria provided, multiple submitters, no conflicts (2 of 4 stars). 2 submissions from 2 submitters: Likely benign (2). Last evaluated 2025-12-18.

Conditions:
PCDH15-related disorder. Also called: PCDH15-related disorders; PCDH15-related condition.

Allele frequency attached by ClinVar (database versions not stated): gnomAD exomes below 0.00001; TOPMed 0.00001.
gnomAD v4.1: 5 of 1,614,006 alleles (0.00031%); highest among the groups gnomAD compares: Non-Finnish European, 0.00042%; no homozygotes.

Submissions (2):

PreventionGenetics, part of Exact Sciences
Classification: Likely benign for PCDH15-related condition. Last evaluated: 2025-12-18. Review status: criteria provided, single submitter. Criteria: ACMG Guidelines, 2015. Collection method: clinical testing. Allele origin: germline.
Comment: This variant is classified as likely benign based on ACMG/AMP sequence variant interpretation guidelines (Richards et al. 2015 PMID: 25741868, with internal and published modifications).

Labcorp Genetics (formerly Invitae), Labcorp
Classification: Likely benign. Last evaluated: 2023-01-19. Review status: criteria provided, single submitter. Criteria: Invitae Variant Classification Sherloc (09022015). Collection method: clinical testing. Allele origin: germline.